The following is an entry in ClinVar:

ClinVar aggregate classification (germline): Uncertain significance (1 of 4 stars; one submission).

Allele frequency attached by ClinVar (database versions not stated): gnomAD exomes below 0.00001.
gnomAD v4.1: 2 of 1,593,900 alleles (0.00013%); highest among the groups gnomAD compares: Non-Finnish European, 0.00017%; no homozygotes.

Submission:

Mayo Clinic Laboratories, Mayo Clinic
Classification: Uncertain significance. Last evaluated: 2022-05-13. Review status: criteria provided, single submitter. Criteria: ACMG Guidelines, 2015. Collection method: clinical testing. Allele origin: germline. Observed: 1 variant allele.
Comment: BP4, PM2_supporting

NM_001267550.2(TTN):c.106372A>G (p.Lys35458Glu)

Genes: TTN (titin; minus strand), TTN-AS1 (TTN antisense RNA 1; plus strand). Cytogenetic location: 2q31.2.
Variant type: single nucleotide variant.
Coding change: c.106372A>G on transcript NM_001267550.2 (MANE Select); coding-DNA position 106372, A replaced by G.
Protein change: p.Lys35458Glu; replaces lysine 35458 with glutamic acid.
Molecular consequence: missense variant.
Genome position (GRCh38, 1-based): chr2:178,530,243, T>C on the plus strand (A>G on the coding strand, the complement: TTN is on the minus strand). VCF-style: chr2-178530243-T-C. GRCh37 (hg19) VCF-style: chr2-179394970-T-C.
Other names: p.Lys33817Glu; c.101449A>G, p.Lys33817Glu (NM_001256850.1); c.79177A>G, p.Lys26393Glu (NM_003319.4); c.98668A>G, p.Lys32890Glu (NM_133378.4); c.79552A>G, p.Lys26518Glu (NM_133432.3); c.79753A>G, p.Lys26585Glu (NM_133437.4); short protein forms K26393E, K26518E, K26585E, K32890E, K33817E, K35458E.
Identifiers: ClinVar variation 2682758 (VCV002682758.1), dbSNP rs2468360797, ClinGen allele CA349405749.